The following is an entry in ClinVar:

NM_002474.3(MYH11):c.5691C>A (p.Asn1897Lys)

Genes: NDE1 (nudE neurodevelopment protein 1; plus strand), MYH11 (myosin heavy chain 11; minus strand). Cytogenetic location: 16p13.11.
Variant type: single nucleotide variant.
Coding change: c.5691C>A on transcript NM_002474.3 (MANE Select); coding-DNA position 5691, C replaced by A.
Protein change: p.Asn1897Lys; replaces asparagine 1897 with lysine.
Molecular consequence: missense variant. On other transcripts: intron variant (2).
Genome position (GRCh38, 1-based): chr16:15,715,004, G>T on the plus strand (C>A on the coding strand, the complement: MYH11 is on the minus strand). VCF-style: chr16-15715004-G-T. GRCh37 (hg19) VCF-style: chr16-15808861-G-T.
Other names: c.5712C>A, p.Asn1904Lys (NM_001040113.2, NM_001040114.2); c.5691C>A, p.Asn1897Lys (NM_022844.3); c.948-9187G>T (NM_001143979.2, NM_017668.3); short protein forms N1904K, N1897K.
Identifiers: ClinVar variation 2773782 (VCV002773782.2), dbSNP rs149566621, ClinGen allele CA394846794.

ClinVar aggregate classification (germline): Uncertain significance (1 of 4 stars; one submission).

Conditions:
Familial thoracic aortic aneurysm and aortic dissection (TAAD). Also called: Thoracic aortic aneurysms and dissections. Identifiers: Orphanet 91387, MedGen C4707243, MONDO:0019625.

gnomAD v4.1: 1 of 1,613,964 alleles (0.000062%); highest among the groups gnomAD compares: Non-Finnish European, 0.000085%; no homozygotes.

Submission:

Color Diagnostics, LLC DBA Color Health
Classification: Uncertain significance for Familial thoracic aortic aneurysm and aortic dissection. Last evaluated: 2024-03-07. Review status: criteria provided, single submitter. Criteria: ACMG Guidelines, 2015. Collection method: clinical testing. Allele origin: germline.
Comment: This missense variant replaces asparagine with lysine at codon 1904 of the MYH11 protein. Computational prediction suggests that this variant may not impact protein structure and function (internally defined REVEL score threshold <= 0.5, PMID: 27666373). To our knowledge, functional studies have not been reported for this variant. This variant has not been reported in individuals affected with cardiovascular disorders in the literature. This variant has not been identified in the general population by the Genome Aggregation Database (gnomAD). The available evidence is insufficient to determine the role of this variant in disease conclusively. Therefore, this variant is classified as a Variant of Uncertain Significance.